The following is an entry in ClinVar:

NM_000083.3(CLCN1):c.946T>A (p.Phe316Ile)

Gene: CLCN1 (chloride voltage-gated channel 1; plus strand). Cytogenetic location: 7q34.
Variant type: single nucleotide variant.
Coding change: c.946T>A on transcript NM_000083.3 (MANE Select); coding-DNA position 946, T replaced by A.
Protein change: p.Phe316Ile; replaces phenylalanine 316 with isoleucine.
Molecular consequence: missense variant. On other transcripts: non-coding transcript variant (1).
Genome position (GRCh38, 1-based): chr7:143,330,864, T>A. VCF-style: chr7-143330864-T-A. GRCh37 (hg19) VCF-style: chr7-143027957-T-A.
Other names: short protein forms F316I.
Identifiers: ClinVar variation 3338417 (VCV003338417.2).
Genomic context (GRCh38, chr7:143,330,864, plus strand): 5'-TACTTTGCTGTTCGGAACTACTGGAGAGGATTCTTTGCAGCCACGTTCAGCGCCTTTGTG[T>A]TTCGAGTGCTGGCAGTGTGGAACAAGGATGCTGGTAACCAAGGAGGCCTTGGGTGGAGGC-3'
Protein context (NP_000074.3, residues 306-326): FFAATFSAFV[Phe316Ile]RVLAVWNKDA

ClinVar aggregate classification (germline): Likely pathogenic (1 of 4 stars; one submission).

Conditions:
Congenital myotonia, autosomal dominant form (THD). Also called: THOMSEN DISEASE; Myotonia congenita autosomal dominant. Identifiers: Orphanet 614, MedGen C2936781, MONDO:0008055, OMIM 160800.

Submission:

Clinical Genetics Laboratory, Skane University Hospital Lund
Classification: Likely pathogenic for Congenital myotonia, autosomal dominant form. Last evaluated: 2024-09-04. Review status: criteria provided, single submitter. Criteria: ACMG Guidelines, 2015. Collection method: clinical testing. Allele origin: germline. Inheritance: Autosomal dominant inheritance. Affected: yes.
Comment: ACMG criteria used: PS2, PM2, PP3